The following is an entry in ClinVar:

ClinVar aggregate classification (germline): Benign/Likely benign. Review status: criteria provided, multiple submitters, no conflicts (2 of 4 stars). 9 submissions from 9 submitters: Benign (5); Likely benign (4). Last evaluated 2025-11-20.

Conditions:
Cardiovascular phenotype. Identifiers: MedGen CN230736.
Familial hypercholesterolemia. Also called: Familial hypercholesterolaemia; Familial hypercholesterolemias. Identifiers: MedGen C0020445, MONDO:0005439.
Hypercholesterolemia, autosomal dominant, 3 (FHCL3). Also called: Familial hypercholesterolemia 3; Familial Hypercholesterolemia, Autosomal Dominant, 3; PCSK9-Related Familial Hypercholesterolemia, Autosomal Dominant. Identifiers: MedGen C1863551, MONDO:0011369, OMIM 603776.

Allele frequency attached by ClinVar (database versions not stated): TOPMed 0.00020; gnomAD exomes 0.00035; ESP Exome Variant Server 0.00038; gnomAD 0.00044 and 0.00048; ExAC 0.00050.
gnomAD v4.1: 353 of 1,607,998 alleles (0.022%); highest among the groups gnomAD compares: African/African-American, 0.024%; no homozygotes.

Submissions (9):

Labcorp Genetics (formerly Invitae), Labcorp
Classification: Benign for Hypercholesterolemia, autosomal dominant, 3. Last evaluated: 2025-11-20. Review status: criteria provided, single submitter. Criteria: Invitae Variant Classification Sherloc (09022015). Collection method: clinical testing. Allele origin: germline.

Ambry Genetics
Classification: Likely benign for Cardiovascular phenotype. Last evaluated: 2025-01-14. Review status: criteria provided, single submitter. Criteria: Ambry Variant Classification Scheme 2023. Collection method: clinical testing. Allele origin: germline.

Blueprint Genetics
Classification: Likely benign. Last evaluated: 2024-11-05. Review status: criteria provided, single submitter. Criteria: ACMG Guidelines, 2015. Collection method: clinical testing. Allele origin: germline.

GENinCode PLC
Classification: Likely benign for Familial hypercholesterolemia. Last evaluated: 2024-09-18. Review status: criteria provided, single submitter. Criteria: ACMG Guidelines, 2015. Collection method: clinical testing. Allele origin: germline.
Comment: This is a synonymous (silent) variant that is not predicted by SpliceAI to impact splicing. In addition, it occurs at a nucleotide that is not conserved. Therefore this variant has been classified as Likely Benign (BP4, BP7).

CeGaT Center for Human Genetics Tuebingen
Classification: Likely benign. Last evaluated: 2024-09-01. Review status: criteria provided, single submitter. Criteria: CeGaT Center For Human Genetics Tuebingen Variant Classification Criteria Version 2. Collection method: clinical testing. Allele origin: germline. Affected: yes. Observed: 2 variant alleles.
Comment: PCSK9: PP3, BS2

All of Us Research Program, National Institutes of Health
Classification: Benign for Hypercholesterolemia, autosomal dominant, 3. Last evaluated: 2024-02-05. Review status: criteria provided, single submitter. Criteria: ACMG Guidelines, 2015. Collection method: clinical testing. Allele origin: germline. Inheritance: Autosomal dominant inheritance. Observed: 41 variant alleles, 41 heterozygotes.
Comment: This study involves interpretation of variants in research participants for the purpose of population health screening. Participant phenotype was not available at the time of variant classification. Additional details can be found in publication PMID: 35346344, PMCID: PMC8962531

Women's Health and Genetics/Laboratory Corporation of America, LabCorp
Classification: Benign. Last evaluated: 2023-08-19. Review status: criteria provided, single submitter. Criteria: LabCorp Variant Classification Summary - May 2015. Collection method: clinical testing. Allele origin: germline.

ARUP Laboratories, Molecular Genetics and Genomics, ARUP Laboratories
Classification: Benign. Last evaluated: 2022-03-23. Review status: criteria provided, single submitter. Criteria: ARUP Molecular Germline Variant Investigation Process 2021. Collection method: clinical testing. Allele origin: germline.

Color Diagnostics, LLC DBA Color Health
Classification: Benign for Familial hypercholesterolemia. Last evaluated: 2022-01-01. Review status: criteria provided, single submitter. Criteria: ACMG Guidelines, 2015. Collection method: clinical testing. Allele origin: germline.

NM_174936.4(PCSK9):c.1491C>T (p.Gly497=)

Gene: PCSK9 (proprotein convertase subtilisin/kexin type 9; plus strand). Cytogenetic location: 1p32.3.
Variant type: single nucleotide variant.
Coding change: c.1491C>T on transcript NM_174936.4 (MANE Select); coding-DNA position 1491, C replaced by T.
Protein change: p.Gly497=; no amino-acid change (glycine 497 retained).
Molecular consequence: synonymous variant. On other transcripts: non-coding transcript variant (8), intron variant (1).
Genome position (GRCh38, 1-based): chr1:55,058,635, C>T. VCF-style: chr1-55058635-C-T. GRCh37 (hg19) VCF-style: chr1-55524308-C-T.
Other names: c.1614C>T, p.Gly538= (NM_001407240.1); c.1491C>T, p.Gly497= (NM_001407241.1); c.1494C>T, p.Gly498= (NM_001407242.1); c.1434C>T, p.Gly478= (NM_001407243.1); c.1317C>T, p.Gly439= (NM_001407244.1); c.1299C>T, p.Gly433= (NM_001407245.1); c.1116C>T, p.Gly372= (NM_001407246.1); c.1180+1121C>T (NM_001407247.1).
Identifiers: ClinVar variation 413315 (VCV000413315.51), dbSNP rs147599496, ClinGen allele CA037232.